The following is an entry in ClinVar:

NM_015178.3(RHOBTB2):c.204C>T (p.Arg68=)

Gene: RHOBTB2 (Rho related BTB domain containing 2; plus strand). Cytogenetic location: 8p21.3.
Variant type: single nucleotide variant.
Coding change: c.204C>T on transcript NM_015178.3 (MANE Select); coding-DNA position 204, C replaced by T.
Protein change: p.Arg68=; no amino-acid change (arginine 68 retained).
Molecular consequence: synonymous variant.
Genome position (GRCh38, 1-based): chr8:23,005,383, C>T. VCF-style: chr8-23005383-C-T. GRCh37 (hg19) VCF-style: chr8-22862896-C-T.
Other names: c.270C>T, p.Arg90= (NM_001160036.2); c.225C>T, p.Arg75= (NM_001160037.2); c.204C>T, p.Arg68= (NM_001374791.1).
Identifiers: ClinVar variation 4872795 (VCV004872795.2).

ClinVar aggregate classification (germline): Likely benign (1 of 4 stars; one submission).

gnomAD v4.1: 2 of 1,613,548 alleles (0.00012%); highest among the groups gnomAD compares: South Asian, 0.0022%; no homozygotes.

Submission:

CeGaT Center for Human Genetics Tuebingen
Classification: Likely benign. Last evaluated: 2026-05-01. Review status: criteria provided, single submitter. Criteria: CeGaT Center For Human Genetics Tuebingen Variant Classification Criteria Version 2. Collection method: clinical testing. Allele origin: germline. Affected: yes. Observed: 1 variant allele.
Comment: RHOBTB2: BP4, BP7